The following is an entry in ClinVar:

NM_006206.6(PDGFRA):c.551T>C (p.Val184Ala)

Gene: PDGFRA (platelet derived growth factor receptor alpha; plus strand). Cytogenetic location: 4q12.
Variant type: single nucleotide variant.
Coding change: c.551T>C on transcript NM_006206.6 (MANE Select); coding-DNA position 551, T replaced by C.
Protein change: p.Val184Ala; replaces valine 184 with alanine.
Molecular consequence: missense variant.
Genome position (GRCh38, 1-based): chr4:54,263,850, T>C. VCF-style: chr4-54263850-T-C. GRCh37 (hg19) VCF-style: chr4-55130017-T-C.
Other names: c.551T>C, p.Val184Ala (NM_001347827.2, NM_001347829.2); c.626T>C, p.Val209Ala (NM_001347828.2); c.590T>C, p.Val197Ala (NM_001347830.2); short protein forms V184A, V197A, V209A.
Identifiers: ClinVar variation 575968 (VCV000575968.11), dbSNP rs367711512, ClinGen allele CA96849169.

ClinVar aggregate classification (germline): Uncertain significance. Review status: criteria provided, multiple submitters, no conflicts (2 of 4 stars). 2 submissions from 2 submitters: Uncertain significance (2). Last evaluated 2025-10-22.

Conditions:
Gastrointestinal stromal tumor. Also called: Gastrointestinal stromal tumor, somatic; Gastrointestinal stroma tumor. Identifiers: Orphanet 44890, MedGen C0238198, MeSH D046152, MONDO:0011719, OMIM 606764, HP:0100723.
Hereditary cancer-predisposing syndrome. Also called: Hereditary Cancer Syndrome; Tumor predisposition; Neoplastic Syndromes, Hereditary; Hereditary neoplastic syndrome. Identifiers: Orphanet 140162, MedGen C0027672, MeSH D009386, MONDO:0015356.

Allele frequency attached by ClinVar (database versions not stated): ESP Exome Variant Server 0.00008; gnomAD exomes below 0.00001; TOPMed below 0.00001; gnomAD 0.00001.

Submissions (2):

Labcorp Genetics (formerly Invitae), Labcorp
Classification: Uncertain significance for Gastrointestinal stromal tumor. Last evaluated: 2025-10-22. Review status: criteria provided, single submitter. Criteria: Invitae Variant Classification Sherloc (09022015). Collection method: clinical testing. Allele origin: germline.
Comment: This sequence change replaces valine, which is neutral and non-polar, with alanine, which is neutral and non-polar, at codon 184 of the PDGFRA protein (p.Val184Ala). This variant is present in population databases (rs367711512, gnomAD 0.007%). This variant has not been reported in the literature in individuals affected with PDGFRA-related conditions. ClinVar contains an entry for this variant (Variation ID: 575968). Invitae Evidence Modeling of protein sequence and biophysical properties (such as structural, functional, and spatial information, amino acid conservation, physicochemical variation, residue mobility, and thermodynamic stability) indicates that this missense variant is not expected to disrupt PDGFRA protein function with a negative predictive value of 80%. In summary, the available evidence is currently insufficient to determine the role of this variant in disease. Therefore, it has been classified as a Variant of Uncertain Significance.

Ambry Genetics
Classification: Uncertain significance for Hereditary cancer-predisposing syndrome. Last evaluated: 2025-10-05. Review status: criteria provided, single submitter. Criteria: Ambry Variant Classification Scheme 2023. Collection method: clinical testing. Allele origin: germline.
Comment: The p.V184A variant (also known as c.551T>C), located in coding exon 3 of the PDGFRA gene, results from a T to C substitution at nucleotide position 551. The valine at codon 184 is replaced by alanine, an amino acid with similar properties. This amino acid position is conserved. In addition, this alteration is predicted to be tolerated by in silico analysis. Since supporting evidence is limited at this time, the clinical significance of this alteration remains unclear.